The following is an entry in ClinVar:

NM_002972.4(SBF1):c.4072A>G (p.Lys1358Glu)

Gene: SBF1 (SET binding factor 1; minus strand). Cytogenetic location: 22q13.33.
Variant type: single nucleotide variant.
Coding change: c.4072A>G on transcript NM_002972.4 (MANE Select); coding-DNA position 4072, A replaced by G.
Protein change: p.Lys1358Glu; replaces lysine 1358 with glutamic acid.
Molecular consequence: missense variant.
Genome position (GRCh38, 1-based): chr22:50,456,506, T>C on the plus strand (A>G on the coding strand, the complement: SBF1 is on the minus strand). VCF-style: chr22-50456506-T-C. GRCh37 (hg19) VCF-style: chr22-50894935-T-C.
Other names: c.3997A>G, p.Lys1333Glu (NM_001365819.1); c.4075A>G, p.Lys1359Glu (NM_001410794.1); c.3994A>G, p.Lys1332Glu (NM_001410795.1); short protein forms K1332E, K1333E, K1358E, K1359E.
Identifiers: ClinVar variation 4685141 (VCV004685141.1).

ClinVar aggregate classification (germline): Uncertain significance (1 of 4 stars; one submission).

Submission:

GeneDx
Classification: Uncertain significance. Last evaluated: 2025-07-12. Review status: criteria provided, single submitter. Criteria: GeneDx Variant Classification Process June 2021. Collection method: clinical testing. Allele origin: germline. Affected: yes.
Comment: Not observed at significant frequency in large population cohorts (gnomAD); In silico analysis supports that this missense variant has a deleterious effect on protein structure/function; Has not been previously published as pathogenic or benign to our knowledge